The following is an entry in ClinVar:

NM_000297.4(PKD2):c.1283T>G (p.Val428Gly)

Gene: PKD2 (polycystin 2, transient receptor potential cation channel; plus strand). Cytogenetic location: 4q22.1.
Variant type: single nucleotide variant.
Coding change: c.1283T>G on transcript NM_000297.4 (MANE Select); coding-DNA position 1283, T replaced by G.
Protein change: p.Val428Gly; replaces valine 428 with glycine.
Molecular consequence: missense variant. On other transcripts: non-coding transcript variant (1).
Genome position (GRCh38, 1-based): chr4:88,043,421, T>G. VCF-style: chr4-88043421-T-G. GRCh37 (hg19) VCF-style: chr4-88964573-T-G.
Other names: c.1283T>G (NM_000297.3); short protein forms V428G.
Identifiers: ClinVar variation 2170193 (VCV002170193.7), dbSNP rs1369969750, ClinGen allele CA357616214.
Genomic context (GRCh38, chr4:88,043,421, plus strand): 5'-GCCTCAAGAAAAATGTCTGGCTGGACCGAGGAACCAGGGCAACTTTTATTGACTTCTCAG[T>G]GTACAACGCCAACATTAACCTGTTCTGTGTGGTCAGGTGTGTACTGAGGACATGCATCCC-3'
Protein context (NP_000288.1, residues 418-438): GTRATFIDFS[Val428Gly]YNANINLFCV

ClinVar aggregate classification (germline): Uncertain significance. Review status: criteria provided, multiple submitters, no conflicts (2 of 4 stars). 2 submissions from 2 submitters: Uncertain significance (2). Last evaluated 2025-10-30.

Conditions:
Inborn genetic diseases. Identifiers: MedGen C0950123, MeSH D030342.
Autosomal dominant polycystic kidney disease. Identifiers: Orphanet 730, MedGen C0085413, MONDO:0004691.

gnomAD v4.1: 35 of 1,613,858 alleles (0.0022%); highest among the groups gnomAD compares: Non-Finnish European, 0.0028%; no homozygotes.

Submissions (2):

Ambry Genetics
Classification: Uncertain significance for Inborn genetic diseases. Last evaluated: 2025-10-30. Review status: criteria provided, single submitter. Criteria: Ambry Variant Classification Scheme 2023. Collection method: clinical testing. Allele origin: germline.

Labcorp Genetics (formerly Invitae), Labcorp
Classification: Uncertain significance for Autosomal dominant polycystic kidney disease. Last evaluated: 2022-10-13. Review status: criteria provided, single submitter. Criteria: Invitae Variant Classification Sherloc (09022015). Collection method: clinical testing. Allele origin: germline.
Comment: This variant has not been reported in the literature in individuals affected with PKD2-related conditions. This variant is not present in population databases (gnomAD no frequency). This sequence change replaces valine, which is neutral and non-polar, with glycine, which is neutral and non-polar, at codon 428 of the PKD2 protein (p.Val428Gly). Advanced modeling of protein sequence and biophysical properties (such as structural, functional, and spatial information, amino acid conservation, physicochemical variation, residue mobility, and thermodynamic stability) performed at Invitae indicates that this missense variant is expected to disrupt PKD2 protein function. In summary, the available evidence is currently insufficient to determine the role of this variant in disease. Therefore, it has been classified as a Variant of Uncertain Significance.